The following is an entry in ClinVar:

ClinVar aggregate classification (germline): Uncertain significance (1 of 4 stars; one submission).

Submission:

GeneDx
Classification: Uncertain significance. Last evaluated: 2024-12-21. Review status: criteria provided, single submitter. Criteria: GeneDx Variant Classification Process June 2021. Collection method: clinical testing. Allele origin: germline. Affected: yes.
Comment: Not observed at significant frequency in large population cohorts (gnomAD); In silico analysis indicates that this missense variant does not alter protein structure/function; Has not been previously published as pathogenic or benign to our knowledge

NM_006218.4(PIK3CA):c.2593G>A (p.Gly865Ser)

Gene: PIK3CA (phosphatidylinositol-4,5-bisphosphate 3-kinase catalytic subunit alpha; plus strand). Cytogenetic location: 3q26.32.
Variant type: single nucleotide variant.
Coding change: c.2593G>A on transcript NM_006218.4 (MANE Select); coding-DNA position 2593, G replaced by A.
Protein change: p.Gly865Ser; replaces glycine 865 with serine.
Molecular consequence: missense variant.
Genome position (GRCh38, 1-based): chr3:179,229,369, G>A. VCF-style: chr3-179229369-G-A. GRCh37 (hg19) VCF-style: chr3-178947157-G-A.
Other names: short protein forms G865S.
Identifiers: ClinVar variation 3906342 (VCV003906342.1).